The following is an entry in ClinVar:

NM_016222.4(DDX41):c.475C>T (p.Arg159Ter)

Gene: DDX41 (DEAD-box helicase 41; minus strand). Cytogenetic location: 5q35.3.
Variant type: single nucleotide variant.
Coding change: c.475C>T on transcript NM_016222.4 (MANE Select); coding-DNA position 475, C replaced by T.
Protein change: p.Arg159Ter; replaces arginine 159 with a stop codon.
Molecular consequence: nonsense.
Genome position (GRCh38, 1-based): chr5:177,515,781, G>A on the plus strand (C>T on the coding strand, the complement: DDX41 is on the minus strand). VCF-style: chr5-177515781-G-A. GRCh37 (hg19) VCF-style: chr5-176942782-G-A.
Other names: c.475C>T (NM_016222.3); c.97C>T, p.Arg33Ter (NM_001321732.2, NM_001321830.2); short protein forms R159*, R33*.
Identifiers: ClinVar variation 1327775 (VCV001327775.16), dbSNP rs754907965, ClinGen allele CA3585188.

ClinVar aggregate classification (germline): Pathogenic. Review status: criteria provided, multiple submitters, no conflicts (2 of 4 stars). 10 submissions from 10 submitters: Pathogenic (9). 1 of the submissions does not count toward it. Last evaluated 2025-05-27.

Conditions:
Inborn genetic diseases. Identifiers: MedGen C0950123, MeSH D030342.
DDX41-related hematologic malignancy predisposition syndrome. Also called: Myeloproliferative/lymphoproliferative neoplasms, familial (multiple types), susceptibility to; DDX41-Associated Familial Myelodysplastic Syndrome and Acute Myeloid Leukemia. Identifiers: Orphanet 488647, MedGen C4225174, MONDO:0014809, OMIM 616871.
DDX41-related disorder. Also called: DDX41-related condition.

Allele frequency attached by ClinVar (database versions not stated): gnomAD exomes 0.00002 and 0.00001; TOPMed 0.00002; ExAC 0.00002.

Submissions (10):

Molecular Pathology, Peter Maccallum Cancer Centre
Classification: Pathogenic for DDX41-related hematologic malignancy predisposition syndrome. Last evaluated: 2025-05-27. Review status: criteria provided, single submitter. Criteria: ACMG Guidelines, 2015. Collection method: clinical testing. Allele origin: germline.

Labcorp Genetics (formerly Invitae), Labcorp
Classification: Pathogenic. Last evaluated: 2025-05-13. Review status: criteria provided, single submitter. Criteria: Invitae Variant Classification Sherloc (09022015). Collection method: clinical testing. Allele origin: germline.
Comment: This sequence change creates a premature translational stop signal (p.Arg159*) in the DDX41 gene. It is expected to result in an absent or disrupted protein product. Loss-of-function variants in DDX41 are known to be pathogenic (PMID: 26712909, 27133828). This variant is present in population databases (rs754907965, gnomAD 0.003%). This premature translational stop signal has been observed in individual(s) with acute myeloid leukemia and/or myelodysplastic syndrome (PMID: 30963592, 33585199). ClinVar contains an entry for this variant (Variation ID: 1327775). For these reasons, this variant has been classified as Pathogenic.

Saint-Louis Hospital, Assistance Publique Hôpitaux de Paris
Classification: Pathogenic for DDX41-related hematologic malignancy predisposition syndrome. Last evaluated: 2025-05-13. Review status: criteria provided, single submitter. Criteria: ACMG Guidelines, 2015. Collection method: clinical testing. Allele origin: germline. Affected: yes.
Comment: The variant DDX41 (NM_016222.4):c.475C>T:p.(Arg159Ter) creates a premature translational stop signal. It is expected to result in an absent or disrupted protein product. Loss-of-function variants in DDX41 are known to be pathogenic (PMID: 26712909, 27133828). This variantl has been observed in individual(s) with acute myeloid leukemia and/or myelodysplastic syndrome (Quesada et al. 2019, PMID: 30963592; Bannon et al. 2021, PMID:33585199).

Ambry Genetics
Classification: Pathogenic for Inborn genetic diseases. Last evaluated: 2024-12-19. Review status: criteria provided, single submitter. Criteria: Ambry Variant Classification Scheme 2023. Collection method: clinical testing. Allele origin: germline.
Comment: The p.R159* pathogenic mutation (also known as c.475C>T), located in coding exon 6 of the DDX41 gene, results from a C to T substitution at nucleotide position 475. This changes the amino acid from an arginine to a stop codon within coding exon 6. This alteration is expected to result in loss of function by premature protein truncation or nonsense-mediated mRNA decay. As such, this alteration is interpreted as a disease-causing mutation.

Institute for Genomic Medicine (IGM) Clinical Laboratory, Nationwide Children's Hospital
Classification: Pathogenic for DDX41-related hematologic malignancy predisposition syndrome. Last evaluated: 2024-10-28. Review status: criteria provided, single submitter. Criteria: ACMG Guidelines, 2015. Collection method: clinical testing. Allele origin: germline.
Comment: This variant is predicted to result in loss of function through nonsense-mediated decay of the encoded transcript or premature truncation of the encoded protein in a gene in which loss of function is a known mechanism of disease (ACMG/AMP: PVS1; PMID:35671390). This variant has been reported at an elevated frequency in affected individuals/in multiple affected individuals in the literature (ACMG/AMP: PS4_Moderate; PMIDs:30963592, 33585199, 35671390). This variant is absent from or present at an exceedingly low frequency in gnomAD, a large-scale control population database (ACMG/AMP: PM2).

Baylor Genetics
Classification: Pathogenic for DDX41-related hematologic malignancy predisposition syndrome. Last evaluated: 2024-02-26. Review status: criteria provided, single submitter. Criteria: ACMG Guidelines, 2015. Collection method: clinical testing. Allele origin: unknown.

Genetic Services Laboratory, University of Chicago
Classification: Pathogenic. Last evaluated: 2023-07-20. Review status: criteria provided, single submitter. Criteria: ACMG Guidelines, 2015. Collection method: clinical testing. Allele origin: germline. Affected: yes.
Comment: DNA sequence analysis of the DDX41 gene demonstrated a sequence change, c.475C>T, which results in the creation of a premature stop codon at amino acid position 159, p.Arg159*. This sequence change is predicted to result in an abnormal transcript, which may be degraded, or may lead to the production of a truncated DDX41 protein with potentially abnormal function. This sequence change has been described in the gnomAD database with an overall frequency of 0.002% (dbSNP rs754907965). This sequence change has previously been described in several individuals with DDX41-related malignancies including acute myeloid leukemia (AML), myelodysplastic syndrome (MDS), myeloproliferative neoplasm (MPN) in whom a second somatic variant in DDX41 was also present (PMID: 35671390, 30963592, 33585199). Loss-of-function variants in DDX41 have been reported to be pathogenic and have been described in association with DDX41-related malignancies (PMID: 26712909, 27133828). These collective evidences indicate that this sequence change is pathogenic.

Laboratorio de Genetica e Diagnostico Molecular, Hospital Israelita Albert Einstein
Classification: Pathogenic for DDX41-related hematologic malignancy predisposition syndrome. Last evaluated: 2023-04-04. Review status: criteria provided, single submitter. Criteria: ACMG Guidelines, 2015. Collection method: clinical testing. Allele origin: germline. Affected: yes.
Comment: ACMG classification criteria: PVS1 very strong, PS4 supporting, PM2 supporting

GeneDx
Classification: Pathogenic. Last evaluated: 2023-03-22. Review status: criteria provided, single submitter. Criteria: GeneDx Variant Classification Process June 2021. Collection method: clinical testing. Allele origin: germline. Affected: yes.
Comment: Nonsense variant predicted to result in protein truncation or nonsense mediated decay in a gene for which loss of function is a known mechanism of disease; Not observed at significant frequency in large population cohorts (gnomAD); This variant is associated with the following publications: (PMID: Zhang[case report], 33585199, 30963592, 36672294, 35671390)

PreventionGenetics, part of Exact Sciences
Classification: Pathogenic for DDX41-related condition. Last evaluated: 2024-05-22. Review status: no assertion criteria provided. Collection method: clinical testing. Allele origin: germline. Not counted in ClinVar's aggregate classification.
Comment: The DDX41 c.475C>T variant is predicted to result in premature protein termination (p.Arg159*). This variant was reported as a possible germline variant in individuals with myeloid malignancies (Quesada et al. 2019. PubMed ID: 30963592; Supplementary Table 1, Bannon et al. 2021. PubMed ID: 33585199). This variant is reported in 0.0031% of alleles in individuals of European (Non-Finnish) descent in gnomAD. Nonsense variants in DDX41 are expected to be pathogenic. This variant is interpreted as pathogenic.

Literature cited by the submitters: PubMed 26712909 (cited by Labcorp Genetics (formerly Invitae), Labcorp and Saint-Louis Hospital, Assistance Publique Hôpitaux de Paris); PubMed 27133828 (cited by Labcorp Genetics (formerly Invitae), Labcorp and Saint-Louis Hospital, Assistance Publique Hôpitaux de Paris); PubMed 30963592 (cited by 4 submitters); PubMed 33585199 (cited by 4 submitters); PubMed 34482403 (cited by Ambry Genetics); PubMed 35443031 (cited by Ambry Genetics); PubMed 35671390 (cited by Ambry Genetics and Institute for Genomic Medicine (IGM) Clinical Laboratory, Nationwide Children's Hospital).